The following is an entry in ClinVar:

NM_004667.6(HERC2):c.2419C>G (p.Arg807Gly)

Gene: HERC2 (HECT and RLD domain containing E3 ubiquitin protein ligase 2; minus strand). Cytogenetic location: 15q13.1.
Variant type: single nucleotide variant.
Coding change: c.2419C>G on transcript NM_004667.6 (MANE Select); coding-DNA position 2419, C replaced by G.
Protein change: p.Arg807Gly; replaces arginine 807 with glycine.
Molecular consequence: missense variant.
Genome position (GRCh38, 1-based): chr15:28,257,159, G>C on the plus strand (C>G on the coding strand, the complement: HERC2 is on the minus strand). VCF-style: chr15-28257159-G-C. GRCh37 (hg19) VCF-style: chr15-28502305-G-C.
Other names: short protein forms R807G.
Identifiers: ClinVar variation 5003076 (VCV005003076.1).
Genomic context (GRCh38, chr15:28,257,159, plus strand): 5'-ACTCTTTCTCCTGGGGCGGGGGCCAGTCCGCGGAACCATCCATCCCCTCACTCACCTGCC[G>C]AAGCAGGAGATCCAGCTGCTCAAAAGTCATTGAGCAGATGTCCACCACAAAAGGGACACG-3'
Protein context (NP_004658.3, residues 797-817): MTFEQLDLLL[Arg807Gly]QVSEGMDGSA

ClinVar aggregate classification (germline): Uncertain significance (1 of 4 stars; one submission).

Submission:

OLLIN Analises Genomicas, OLLIN
Classification: Uncertain significance. Last evaluated: 2026-08-06. Review status: criteria provided, single submitter. Criteria: ACMG Guidelines 2015 PMID 25741868. Collection method: clinical testing. Allele origin: germline.
Comment: This missense variant, located in exon 17 (of 93), is absent from gnomAD and ClinVar and has not been identified in the literature. In silico analysis predicts that this variant has a tolerated effect. According to the currently available evidence, this variant has been classified as uncertain significance (PM2_P, BP4_M).